The following is an entry in ClinVar:

NM_006767.4(LZTR1):c.1785+5G>T

Gene: LZTR1 (leucine zipper like post translational regulator 1; plus strand). Cytogenetic location: 22q11.21.
Variant type: single nucleotide variant.
Coding change: c.1785+5G>T on transcript NM_006767.4 (MANE Select); 5 bases into the intron after coding-DNA position 1785, G replaced by T.
Molecular consequence: intron variant.
Genome position (GRCh38, 1-based): chr22:20,994,732, G>T. VCF-style: chr22-20994732-G-T. GRCh37 (hg19) VCF-style: chr22-21349021-G-T.
Identifiers: ClinVar variation 3238131 (VCV003238131.1), dbSNP rs1359845066.

ClinVar aggregate classification (germline): Uncertain significance (1 of 4 stars; one submission).

Conditions:
Hereditary cancer-predisposing syndrome. Also called: Neoplastic Syndromes, Hereditary; Tumor predisposition; Hereditary neoplastic syndrome; Hereditary Cancer Syndrome. Identifiers: Orphanet 140162, MedGen C0027672, MeSH D009386, MONDO:0015356.
Cardiovascular phenotype. Identifiers: MedGen CN230736.

Submission:

Ambry Genetics
Classification: Uncertain significance for Cardiovascular phenotype; Hereditary cancer-predisposing syndrome. Last evaluated: 2024-01-05. Review status: criteria provided, single submitter. Criteria: Ambry Variant Classification Scheme 2023. Collection method: clinical testing. Allele origin: germline.
Comment: The c.1785+5G>T intronic variant results from a G to T substitution 5 nucleotides after coding exon 15 in the LZTR1 gene. This nucleotide position is not well conserved in available vertebrate species. In silico splice site analysis predicts that this alteration may result in the creation or strengthening of a novel splice donor site. Since supporting evidence is limited at this time, the clinical significance of this alteration remains unclear.